The following is an entry in ClinVar:

NM_000222.3(KIT):c.1547T>A (p.Ile516Asn)

Gene: KIT (KIT proto-oncogene, receptor tyrosine kinase; plus strand). Cytogenetic location: 4q12.
Variant type: single nucleotide variant.
Coding change: c.1547T>A on transcript NM_000222.3 (MANE Select); coding-DNA position 1547, T replaced by A.
Protein change: p.Ile516Asn; replaces isoleucine 516 with asparagine.
Molecular consequence: missense variant.
Genome position (GRCh38, 1-based): chr4:54,727,224, T>A. VCF-style: chr4-54727224-T-A. GRCh37 (hg19) VCF-style: chr4-55593390-T-A.
Other names: c.1538T>A, p.Ile513Asn (NM_001385288.1, NM_001385292.1); c.1550T>A, p.Ile517Asn (NM_001385290.1, NM_001385284.1); c.1535T>A, p.Ile512Asn (NM_001093772.2, NM_001385286.1); c.1547T>A, p.Ile516Asn (NM_001385285.1); short protein forms I513N, I516N, I512N, I517N.
Identifiers: ClinVar variation 5023304 (VCV005023304.1).

ClinVar aggregate classification (germline): Uncertain significance (1 of 4 stars; one submission).

Conditions:
Hereditary cancer-predisposing syndrome. Also called: Neoplastic Syndromes, Hereditary; Tumor predisposition; Hereditary neoplastic syndrome; Hereditary Cancer Syndrome. Identifiers: Orphanet 140162, MedGen C0027672, MeSH D009386, MONDO:0015356.

Submission:

Ambry Genetics
Classification: Uncertain significance for Hereditary cancer-predisposing syndrome. Last evaluated: 2026-07-06. Review status: criteria provided, single submitter. Criteria: Ambry Variant Classification Scheme 2023. Collection method: clinical testing. Allele origin: germline.
Comment: The p.I516N variant (also known as c.1547T>A), located in coding exon 10 of the KIT gene, results from a T to A substitution at nucleotide position 1547. The isoleucine at codon 516 is replaced by asparagine, an amino acid with dissimilar properties. This amino acid position is conserved. In addition, this alteration is predicted to be tolerated by in silico analysis. Based on the available evidence, the clinical significance of this variant remains unclear.